The following is an entry in ClinVar:

ClinVar aggregate classification (germline): Uncertain significance. Review status: criteria provided, multiple submitters, no conflicts (2 of 4 stars). 2 submissions from 2 submitters: Uncertain significance (2). Last evaluated 2025-08-12.

Conditions:
Inborn genetic diseases. Identifiers: MedGen C0950123, MeSH D030342.
Acute myeloid leukemia (AML). Also called: Acute myeloid leukemia, adult; AML adult; Acute non-lymphocytic leukemia; Acute granulocytic leukemia; Leukemia, acute myeloid, somatic; Leukemia, acute myelogenous, somatic. Identifiers: Orphanet 519, MedGen C0023467, MeSH D015470, MONDO:0018874, OMIM 601626, HP:0004808. Disease mechanism: Constitutively activated FLT3.

Allele frequency attached by ClinVar (database versions not stated): TOPMed below 0.00001.

Submissions (2):

Ambry Genetics
Classification: Uncertain significance for Inborn genetic diseases. Last evaluated: 2025-08-12. Review status: criteria provided, single submitter. Criteria: Ambry Variant Classification Scheme 2023. Collection method: clinical testing. Allele origin: germline.
Comment: The p.S251T variant (also known as c.752G>C), located in coding exon 1 of the CEBPA gene, results from a G to C substitution at nucleotide position 752. The serine at codon 251 is replaced by threonine, an amino acid with similar properties. This amino acid position is conserved. In addition, this alteration is predicted to be tolerated by in silico analysis. Based on the available evidence, the clinical significance of this variant remains unclear.

Labcorp Genetics (formerly Invitae), Labcorp
Classification: Uncertain significance for Acute myeloid leukemia. Last evaluated: 2025-03-17. Review status: criteria provided, single submitter. Criteria: Invitae Variant Classification Sherloc (09022015). Collection method: clinical testing. Allele origin: germline.
Comment: This sequence change replaces serine, which is neutral and polar, with threonine, which is neutral and polar, at codon 251 of the CEBPA protein (p.Ser251Thr). This variant is not present in population databases (gnomAD no frequency). This variant has not been reported in the literature in individuals affected with CEBPA-related conditions. ClinVar contains an entry for this variant (Variation ID: 858700). An algorithm developed to predict the effect of missense changes on protein structure and function (PolyPhen-2) suggests that this variant is likely to be tolerated. In summary, the available evidence is currently insufficient to determine the role of this variant in disease. Therefore, it has been classified as a Variant of Uncertain Significance.

NM_004364.5(CEBPA):c.752G>C (p.Ser251Thr)

Gene: CEBPA (CCAAT enhancer binding protein alpha; minus strand). Cytogenetic location: 19q13.11.
Variant type: single nucleotide variant.
Coding change: c.752G>C on transcript NM_004364.5 (MANE Select); coding-DNA position 752, G replaced by C.
Protein change: p.Ser251Thr; replaces serine 251 with threonine.
Molecular consequence: missense variant.
Genome position (GRCh38, 1-based): chr19:33,301,663, C>G on the plus strand (G>C on the coding strand, the complement: CEBPA is on the minus strand). VCF-style: chr19-33301663-C-G. GRCh37 (hg19) VCF-style: chr19-33792569-C-G.
Other names: c.395G>C, p.Ser132Thr (NM_001285829.2); c.857G>C, p.Ser286Thr (NM_001287424.2); c.710G>C, p.Ser237Thr (NM_001287435.2); c.752G>C (NM_004364.3); short protein forms S237T, S286T, S132T, S251T.
Identifiers: ClinVar variation 858700 (VCV000858700.11), dbSNP rs1967170735, ClinGen allele CA405274287.